The following is an entry in ClinVar:

ClinVar aggregate classification (germline): Uncertain significance. Review status: criteria provided, multiple submitters, no conflicts (2 of 4 stars). 2 submissions from 2 submitters: Uncertain significance (2). Last evaluated 2025-11-27.

Conditions:
Cardiovascular phenotype. Identifiers: MedGen CN230736.

Submissions (2):

Labcorp Genetics (formerly Invitae), Labcorp
Classification: Uncertain significance. Last evaluated: 2025-11-27. Review status: criteria provided, single submitter. Criteria: Invitae Variant Classification Sherloc (09022015). Collection method: clinical testing. Allele origin: germline.
Comment: This variant, c.4441_4449del, results in the deletion of 3 amino acid(s) of the ALPK3 protein (p.Lys1481_Arg1483del), but otherwise preserves the integrity of the reading frame. This variant is present in population databases (rs775527286, gnomAD 0.008%). This variant has not been reported in the literature in individuals affected with ALPK3-related conditions. ClinVar contains an entry for this variant (Variation ID: 3227481). In summary, the available evidence is currently insufficient to determine the role of this variant in disease. Therefore, it has been classified as a Variant of Uncertain Significance.

Ambry Genetics
Classification: Uncertain significance for Cardiovascular phenotype. Last evaluated: 2023-12-19. Review status: criteria provided, single submitter. Criteria: Ambry Variant Classification Scheme 2023. Collection method: clinical testing. Allele origin: germline.
Comment: The c.4441_4449delAAGATTCGG variant (also known as p.K1481_R1483del) is located in coding exon 7 of the ALPK3 gene. This variant results from an in-frame AAGATTCGG deletion at nucleotide positions 4441 to 4449. This results in the in-frame deletion of three amino acids (KIR) at codons 1481 to 1483. This amino acid region is well conserved in available vertebrate species. In addition, this alteration is predicted to be deleterious by in silico analysis (Choi Y et al. PLoS ONE. 2012; 7(10):e46688). Since supporting evidence is limited at this time, the clinical significance of this alteration remains unclear.

NM_020778.5(ALPK3):c.3835_3843del (p.Lys1279_Arg1281del)

Gene: ALPK3 (alpha kinase 3; plus strand). Cytogenetic location: 15q25.3.
Variant type: Deletion.
Coding change: c.3835_3843del on transcript NM_020778.5 (MANE Select); coding-DNA positions 3835 to 3843, 9 bases deleted (AAGATTCGG; older notation c.3835_3843delAAGATTCGG).
Protein change: p.Lys1279_Arg1281del.
Molecular consequence: inframe deletion.
Genome position (GRCh38, 1-based): chr15:84,859,260-84,859,268, AAGATTCGG deleted; deleting any 9 consecutive bases within chr15:84,859,257-84,859,268 gives the same sequence; the c. name uses the placement nearest the transcript's 3' end. VCF-style (leftmost placement, unchanged base first): chr15-84859256-CCGGAAGATT-C. GRCh37 (hg19) VCF-style: chr15-85402487-CCGGAAGATT-C.
Identifiers: ClinVar variation 3227481 (VCV003227481.3), dbSNP rs775527286, ClinGen allele CA7709743.